The following is an entry in ClinVar:

NM_001167.4(XIAP):c.1114C>T (p.Gln372Ter)

Gene: XIAP (X-linked inhibitor of apoptosis; plus strand). Cytogenetic location: Xq25.
Variant type: single nucleotide variant.
Coding change: c.1114C>T on transcript NM_001167.4 (MANE Select); coding-DNA position 1114, C replaced by T.
Protein change: p.Gln372Ter; replaces glutamine 372 with a stop codon.
Molecular consequence: nonsense. On other transcripts: non-coding transcript variant (2).
Genome position (GRCh38, 1-based): chrX:123,900,507, C>T. VCF-style: chrX-123900507-C-T. GRCh37 (hg19) VCF-style: chrX-123034357-C-T.
Other names: c.1114C>T, p.Gln372Ter (NM_001204401.2, NM_001378590.1, NM_001378591.1 and 1 more transcripts); short protein forms Q372*.
Identifiers: ClinVar variation 4729632 (VCV004729632.1).

ClinVar aggregate classification (germline): Pathogenic (1 of 4 stars; one submission).

Conditions:
X-linked lymphoproliferative disease due to XIAP deficiency. Also called: XIAP DEFICIENCY; XIAP-Related Lymphoproliferative Disease, X-Linked. Identifiers: Orphanet 2442, Orphanet 538934, MedGen C1845076, MONDO:0010385, OMIM 300635.

Submission:

Labcorp Genetics (formerly Invitae), Labcorp
Classification: Pathogenic for X-linked lymphoproliferative disease due to XIAP deficiency. Last evaluated: 2025-10-21. Review status: criteria provided, single submitter. Criteria: Invitae Variant Classification Sherloc (09022015). Collection method: clinical testing. Allele origin: germline.
Comment: This sequence change creates a premature translational stop signal (p.Gln372*) in the XIAP gene. It is expected to result in an absent or disrupted protein product. Loss-of-function variants in XIAP are known to be pathogenic (PMID: 17080092, 21119115, 25666262). This variant is not present in population databases (gnomAD no frequency). This variant has not been reported in the literature in individuals affected with XIAP-related conditions. For these reasons, this variant has been classified as Pathogenic.

Literature cited by the submitters: PubMed 17080092; PubMed 21119115; PubMed 25666262.